The following is an entry in ClinVar:

ClinVar aggregate classification (germline): Uncertain significance (1 of 4 stars; one submission).

gnomAD v4.1: 3 of 1,439,160 alleles (0.00021%); highest among the groups gnomAD compares: South Asian, 0.0018%; no homozygotes.

Submission:

Labcorp Genetics (formerly Invitae), Labcorp
Classification: Uncertain significance. Last evaluated: 2025-10-01. Review status: criteria provided, single submitter. Criteria: Invitae Variant Classification Sherloc (09022015). Collection method: clinical testing. Allele origin: germline.
Comment: This sequence change replaces aspartic acid, which is acidic and polar, with glycine, which is neutral and non-polar, at codon 213 of the EXPH5 protein (p.Asp213Gly). This variant is not present in population databases (gnomAD no frequency). This variant has not been reported in the literature in individuals affected with EXPH5-related conditions. An algorithm developed to predict the effect of missense changes on protein structure and function (PolyPhen-2) suggests that this variant is likely to be disruptive. In summary, the available evidence is currently insufficient to determine the role of this variant in disease. Therefore, it has been classified as a Variant of Uncertain Significance.

NM_015065.3(EXPH5):c.638A>G (p.Asp213Gly)

Gene: EXPH5 (exophilin 5; minus strand). Cytogenetic location: 11q22.3.
Variant type: single nucleotide variant.
Coding change: c.638A>G on transcript NM_015065.3 (MANE Select); coding-DNA position 638, A replaced by G.
Protein change: p.Asp213Gly; replaces aspartic acid 213 with glycine.
Molecular consequence: missense variant.
Genome position (GRCh38, 1-based): chr11:108,514,869, T>C on the plus strand (A>G on the coding strand, the complement: EXPH5 is on the minus strand). VCF-style: chr11-108514869-T-C. GRCh37 (hg19) VCF-style: chr11-108385596-T-C.
Other names: c.407A>G, p.Asp136Gly (NM_001441073.1, NM_001441074.1, NM_001441075.1); c.167A>G, p.Asp56Gly (NM_001441076.1); c.635A>G, p.Asp212Gly (NM_001441059.1); c.614A>G, p.Asp205Gly (NM_001441060.1); c.410A>G, p.Asp137Gly (NM_001441061.1, NM_001441067.1, NM_001441068.1 and 5 more transcripts); c.170A>G, p.Asp57Gly (NM_001144764.2); c.74A>G, p.Asp25Gly (NM_001144765.2); c.617A>G, p.Asp206Gly (NM_001308019.2); short protein forms D136G, D57G, D137G, D205G, D206G, D212G, D213G, D25G.
Identifiers: ClinVar variation 4765684 (VCV004765684.1).